The following is an entry in ClinVar:

ClinVar aggregate classification (germline): Uncertain significance (1 of 4 stars; one submission).

Conditions:
Inborn genetic diseases. Identifiers: MedGen C0950123, MeSH D030342.

gnomAD v4.1: 9 of 1,553,458 alleles (0.00058%); highest among the groups gnomAD compares: South Asian, 0.0012%; no homozygotes.

Submission:

Ambry Genetics
Classification: Uncertain significance for Inborn genetic diseases. Last evaluated: 2025-10-02. Review status: criteria provided, single submitter. Criteria: Ambry Variant Classification Scheme 2023. Collection method: clinical testing. Allele origin: germline.
Comment: The c.2462G>C (p.R821P) alteration is located in exon 23 (coding exon 23) of the PROM1 gene. This alteration results from a G to C substitution at nucleotide position 2462, causing the arginine (R) at amino acid position 821 to be replaced by a proline (P). Based on data from gnomAD, the C allele has an overall frequency of 0.001% (1/165030) total alleles studied. The highest observed frequency was 0.004% (1/22864) of South Asian alleles. Based on insufficient or conflicting evidence, the clinical significance of this alteration remains unclear.

NM_006017.3(PROM1):c.2462G>C (p.Arg821Pro)

Gene: PROM1 (prominin 1; minus strand). Cytogenetic location: 4p15.32.
Variant type: single nucleotide variant.
Coding change: c.2462G>C on transcript NM_006017.3 (MANE Select); coding-DNA position 2462, G replaced by C.
Protein change: p.Arg821Pro; replaces arginine 821 with proline.
Molecular consequence: missense variant. On other transcripts: non-coding transcript variant (2).
Genome position (GRCh38, 1-based): chr4:15,980,449, C>G on the plus strand (G>C on the coding strand, the complement: PROM1 is on the minus strand). VCF-style: chr4-15980449-C-G. GRCh37 (hg19) VCF-style: chr4-15982072-C-G.
Other names: c.2435G>C, p.Arg812Pro (NM_001145847.2, NM_001145848.2, NM_001145851.2 and 4 more transcripts); c.2462G>C, p.Arg821Pro (NM_001145849.2, NM_001145850.2); c.2432G>C, p.Arg811Pro (NM_001441173.1); c.2351G>C, p.Arg784Pro (NM_001441174.1); c.2342G>C, p.Arg781Pro (NM_001441175.1, NM_001441176.1); c.2330G>C, p.Arg777Pro (NM_001441177.1); c.2270G>C, p.Arg757Pro (NM_001441178.1); c.2096G>C, p.Arg699Pro (NM_001441179.1); short protein forms R781P, R811P, R812P, R777P, R699P, R757P, R784P, R821P.
Identifiers: ClinVar variation 4628450 (VCV004628450.1).
Genomic context (GRCh38, chr4:15,980,449, plus strand): 5'-GACCCCCACGTCTGTGGAAGCCCACATACTTACTCATCGTACACGTCCTCCGAATCCATT[C>G]GACGATAGTACTTAGCCAGTTTTACCGCAAAAATTAGAGCCGGAAGTAAAAATACAGTAG-3'
Protein context (NP_006008.1, residues 811-831): FAVKLAKYYR[Arg821Pro]MDSEDVYDDV